The following is an entry in ClinVar:

NM_001364905.1(LRBA):c.2045A>T (p.Asn682Ile)

Gene: LRBA (LPS responsive beige-like anchor protein; minus strand). Cytogenetic location: 4q31.3.
Variant type: single nucleotide variant.
Coding change: c.2045A>T on transcript NM_001364905.1 (MANE Select); coding-DNA position 2045, A replaced by T.
Protein change: p.Asn682Ile; replaces asparagine 682 with isoleucine.
Molecular consequence: missense variant.
Genome position (GRCh38, 1-based): chr4:150,896,416, T>A on the plus strand (A>T on the coding strand, the complement: LRBA is on the minus strand). VCF-style: chr4-150896416-T-A. GRCh37 (hg19) VCF-style: chr4-151817568-T-A.
Other names: p.Asn682Ile; c.2045A>T, p.Asn682Ile (NM_001199282.3, NM_001367550.1, NM_001440430.1 and 2 more transcripts); short protein forms N682I.
Identifiers: ClinVar variation 4541004 (VCV004541004.1).

ClinVar aggregate classification (germline): Uncertain significance (1 of 4 stars; one submission).

gnomAD v4.1: 14 of 1,551,140 alleles (0.0009%); highest among the groups gnomAD compares: Non-Finnish European, 0.0012%; no homozygotes.

Submission:

Mayo Clinic Laboratories, Mayo Clinic
Classification: Uncertain significance. Last evaluated: 2025-09-11. Review status: criteria provided, single submitter. Criteria: ACMG Guidelines, 2015. Collection method: clinical testing. Allele origin: germline. Observed: 2 variant alleles.
Comment: PM2_supporting